The following is an entry in ClinVar:

ClinVar aggregate classification (germline): Uncertain significance (1 of 4 stars; one submission).

Conditions:
Cardiovascular phenotype. Identifiers: MedGen CN230736.

Allele frequency attached by ClinVar (database versions not stated): gnomAD exomes below 0.00001; TOPMed below 0.00001; gnomAD 0.00001.
gnomAD v4.1: 2 of 1,550,074 alleles (0.00013%); highest among the groups gnomAD compares: African/African-American, 0.0014%; no homozygotes.

Submission:

Ambry Genetics
Classification: Uncertain significance for Cardiovascular phenotype. Last evaluated: 2023-11-25. Review status: criteria provided, single submitter. Criteria: Ambry Variant Classification Scheme 2023. Collection method: clinical testing. Allele origin: germline.
Comment: The p.S1285P variant (also known as c.3853T>C), located in coding exon 2 of the ZNF469 gene, results from a T to C substitution at nucleotide position 3853. The serine at codon 1285 is replaced by proline, an amino acid with similar properties. This amino acid position is conserved. In addition, this alteration is predicted to be tolerated by in silico analysis. Since supporting evidence is limited at this time, the clinical significance of this alteration remains unclear.

NM_001367624.2(ZNF469):c.3937T>C (p.Ser1313Pro)

Gene: ZNF469 (zinc finger protein 469; plus strand). Cytogenetic location: 16q24.2.
Variant type: single nucleotide variant.
Coding change: c.3937T>C on transcript NM_001367624.2 (MANE Select); coding-DNA position 3937, T replaced by C.
Protein change: p.Ser1313Pro; replaces serine 1313 with proline.
Molecular consequence: missense variant.
Genome position (GRCh38, 1-based): chr16:88,431,407, T>C. VCF-style: chr16-88431407-T-C. GRCh37 (hg19) VCF-style: chr16-88497815-T-C.
Other names: NM_001127464.1:c.3853T>C; short protein forms S1313P.
Identifiers: ClinVar variation 3232801 (VCV003232801.1), dbSNP rs1906173120, ClinGen allele CA397088070.